The following is an entry in ClinVar:

ClinVar aggregate classification (germline): Uncertain significance. Review status: criteria provided, multiple submitters, no conflicts (2 of 4 stars). 2 submissions from 2 submitters: Uncertain significance (2). Last evaluated 2025-04-19.

Conditions:
Familial thoracic aortic aneurysm and aortic dissection (TAAD). Also called: Thoracic aortic aneurysms and dissections. Identifiers: Orphanet 91387, MedGen C4707243, MONDO:0019625.
Ehlers-Danlos syndrome, kyphoscoliotic type 1 (EDSKSCL1). Also called: EHLERS-DANLOS SYNDROME, TYPE VIA; Ehlers-Danlos syndrome, hydroxylysine-deficient; EHLERS-DANLOS SYNDROME, OCULAR-SCOLIOTIC TYPE; PLOD1-Related Kyphoscoliotic Ehlers-Danlos Syndrome. Identifiers: Orphanet 1900, MedGen C0268342, MONDO:0016002, OMIM 225400. Disease mechanism: loss of function.

Allele frequency attached by ClinVar (database versions not stated): gnomAD exomes below 0.00001.
gnomAD v4.1: 1 of 1,607,336 alleles (0.000062%); highest among the groups gnomAD compares: Non-Finnish European, 0.000085%; no homozygotes.

Submissions (2):

Ambry Genetics
Classification: Uncertain significance for Familial thoracic aortic aneurysm and aortic dissection. Last evaluated: 2025-04-19. Review status: criteria provided, single submitter. Criteria: Ambry Variant Classification Scheme 2023. Collection method: clinical testing. Allele origin: germline.
Comment: The p.G545R variant (also known as c.1633G>A), located in coding exon 15 of the PLOD1 gene, results from a G to A substitution at nucleotide position 1633. The glycine at codon 545 is replaced by arginine, an amino acid with dissimilar properties. This amino acid position is conserved. In addition, the in silico prediction for this alteration is inconclusive. Based on the available evidence, the clinical significance of this variant remains unclear.

Illumina Laboratory Services, Illumina
Classification: Uncertain significance for Ehlers-Danlos syndrome, kyphoscoliotic type 1. Last evaluated: 2018-01-12. Review status: criteria provided, single submitter. Criteria: ICSL Variant Classification Criteria 13 December 2019. Collection method: clinical testing. Allele origin: germline.

NM_000302.4(PLOD1):c.1633G>A (p.Gly545Arg)

Gene: PLOD1 (procollagen-lysine,2-oxoglutarate 5-dioxygenase 1; plus strand). Cytogenetic location: 1p36.22.
Variant type: single nucleotide variant.
Coding change: c.1633G>A on transcript NM_000302.4 (MANE Select); coding-DNA position 1633, G replaced by A.
Protein change: p.Gly545Arg; replaces glycine 545 with arginine.
Molecular consequence: missense variant.
Genome position (GRCh38, 1-based): chr1:11,966,299, G>A. VCF-style: chr1-11966299-G-A. GRCh37 (hg19) VCF-style: chr1-12026356-G-A.
Other names: c.1774G>A, p.Gly592Arg (NM_001316320.2); short protein forms G545R, G592R.
Identifiers: ClinVar variation 292305 (VCV000292305.6), dbSNP rs886045204, ClinGen allele CA10607702.